The following is an entry in ClinVar:

NM_002072.5(GNAQ):c.-382G>A

Gene: GNAQ (G protein subunit alpha q; minus strand). Cytogenetic location: 9q21.2.
Variant type: single nucleotide variant.
Coding change: c.-382G>A on transcript NM_002072.5 (MANE Select); 382 bases upstream of the start codon, G replaced by A.
Molecular consequence: 5 prime UTR variant.
Genome position (GRCh38, 1-based): chr9:78,031,617, C>T on the plus strand (G>A on the coding strand, the complement: GNAQ is on the minus strand). VCF-style: chr9-78031617-C-T. GRCh37 (hg19) VCF-style: chr9-80646533-C-T.
Identifiers: ClinVar variation 1229612 (VCV001229612.3), dbSNP rs72466454, ClinGen allele CA13051235.

ClinVar aggregate classification (germline): Benign (1 of 4 stars; one submission).

Allele frequency attached by ClinVar (database versions not stated): 1000 Genomes Project 0.06190; 1000 Genomes Project 30x 0.06230; gnomAD 0.08158 and 0.08200.
gnomAD v4.1: 12,143 of 147,758 alleles (8.2%); highest among the groups gnomAD compares: South Asian, 11%; 539 homozygotes.

Submission:

GeneDx
Classification: Benign. Last evaluated: 2021-06-20. Review status: criteria provided, single submitter. Criteria: GeneDx Variant Classification Process June 2021. Collection method: clinical testing. Allele origin: germline. Affected: yes.
Comment: This variant is associated with the following publications: (PMID: 20562673)